The following is an entry in ClinVar:

NM_030665.4(RAI1):c.2531del (p.Cys844fs)

Gene: RAI1 (retinoic acid induced 1; plus strand). Cytogenetic location: 17p11.2.
Variant type: Deletion.
Coding change: c.2531del on transcript NM_030665.4 (MANE Select); coding-DNA position 2531, one base deleted (G; older notation c.2531delG).
Protein change: p.Cys844fs; shifts the reading frame from cysteine 844.
Molecular consequence: frameshift variant.
Genome position (GRCh38, 1-based): chr17:17,795,479, G deleted. VCF-style (leftmost placement, unchanged base first): chr17-17795478-TG-T. GRCh37 (hg19) VCF-style: chr17-17698792-TG-T.
Other names: short protein forms C844fs.
Identifiers: ClinVar variation 3347832 (VCV003347832.1).

ClinVar aggregate classification (germline): Likely pathogenic (0 of 4 stars; one submission).

Conditions:
RAI1-related disorder. Also called: RAI1-related condition.

Submission:

PreventionGenetics, part of Exact Sciences
Classification: Likely pathogenic for RAI1-related condition. Last evaluated: 2024-07-18. Review status: no assertion criteria provided. Collection method: clinical testing. Allele origin: germline.
Comment: The RAI1 c.2531delG variant is predicted to result in a frameshift and premature protein termination (p.Cys844Serfs*106). To our knowledge, this variant has not been reported in the literature or in a large population database, indicating this variant is rare. Frameshift variants in RAI1 are expected to be pathogenic. This variant is interpreted as likely pathogenic.